The following is an entry in ClinVar:

NM_015909.4(NBAS):c.6548G>C (p.Trp2183Ser)

Gene: NBAS (NBAS subunit of NRZ tethering complex; minus strand). Cytogenetic location: 2p24.3.
Variant type: single nucleotide variant.
Coding change: c.6548G>C on transcript NM_015909.4 (MANE Select); coding-DNA position 6548, G replaced by C.
Protein change: p.Trp2183Ser; replaces tryptophan 2183 with serine.
Molecular consequence: missense variant. On other transcripts: non-coding transcript variant (1).
Genome position (GRCh38, 1-based): chr2:15,190,288, C>G on the plus strand (G>C on the coding strand, the complement: NBAS is on the minus strand). VCF-style: chr2-15190288-C-G. GRCh37 (hg19) VCF-style: chr2-15330412-C-G.
Other names: short protein forms W2183S.
Identifiers: ClinVar variation 1423281 (VCV001423281.6), dbSNP rs2125139419, ClinGen allele CA345919912.

ClinVar aggregate classification (germline): Uncertain significance (1 of 4 stars; one submission).

Allele frequency attached by ClinVar (database versions not stated): gnomAD exomes below 0.00001.
gnomAD v4.1: 1 of 1,613,850 alleles (0.000062%); highest among the groups gnomAD compares: Admixed American, 0.0017%; no homozygotes.

Submission:

Labcorp Genetics (formerly Invitae), Labcorp
Classification: Uncertain significance. Last evaluated: 2022-08-31. Review status: criteria provided, single submitter. Criteria: Invitae Variant Classification Sherloc (09022015). Collection method: clinical testing. Allele origin: germline.
Comment: In summary, the available evidence is currently insufficient to determine the role of this variant in disease. Therefore, it has been classified as a Variant of Uncertain Significance. Algorithms developed to predict the effect of missense changes on protein structure and function (SIFT, PolyPhen-2, Align-GVGD) all suggest that this variant is likely to be disruptive. ClinVar contains an entry for this variant (Variation ID: 1423281). This variant has not been reported in the literature in individuals affected with NBAS-related conditions. This variant is not present in population databases (gnomAD no frequency). This sequence change replaces tryptophan, which is neutral and slightly polar, with serine, which is neutral and polar, at codon 2183 of the NBAS protein (p.Trp2183Ser).